The following is an entry in ClinVar:

ClinVar aggregate classification (germline): Uncertain significance (1 of 4 stars; one submission).

Conditions:
MHC class II deficiency. Also called: Bare lymphocyte syndrome 2; BLS, TYPE II. Identifiers: Orphanet 572, MedGen C5447452, MONDO:0008855.

gnomAD v4.1: 1 of 1,564,218 alleles (0.000064%); highest among the groups gnomAD compares: Non-Finnish European, 0.000087%; no homozygotes.

Submission:

Labcorp Genetics (formerly Invitae), Labcorp
Classification: Uncertain significance for MHC class II deficiency. Last evaluated: 2019-05-29. Review status: criteria provided, single submitter. Criteria: Invitae Variant Classification Sherloc (09022015). Collection method: clinical testing. Allele origin: germline.
Comment: This sequence change replaces serine with asparagine at codon 138 of the RFXAP protein (p.Ser138Asn). The serine residue is moderately conserved and there is a small physicochemical difference between serine and asparagine. This variant is not present in population databases (ExAC no frequency). This variant has not been reported in the literature in individuals with RFXAP-related conditions. Algorithms developed to predict the effect of missense changes on protein structure and function are either unavailable or do not agree on the potential impact of this missense change (SIFT: "Tolerated"; PolyPhen-2: "Possibly Damaging"; Align-GVGD: "Class C0"). In summary, the available evidence is currently insufficient to determine the role of this variant in disease. Therefore, it has been classified as a Variant of Uncertain Significance.

NM_000538.4(RFXAP):c.413G>A (p.Ser138Asn)

Genes: RFXAP (regulatory factor X associated protein; plus strand), LOC130009574 (ATAC-STARR-seq lymphoblastoid active region 7589; plus strand). Cytogenetic location: 13q13.3.
Variant type: single nucleotide variant.
Coding change: c.413G>A on transcript NM_000538.4 (MANE Select); coding-DNA position 413, G replaced by A.
Protein change: p.Ser138Asn; replaces serine 138 with asparagine.
Molecular consequence: missense variant.
Genome position (GRCh38, 1-based): chr13:36,819,770, G>A. VCF-style: chr13-36819770-G-A. GRCh37 (hg19) VCF-style: chr13-37393907-G-A.
Other names: short protein forms S138N.
Identifiers: ClinVar variation 951755 (VCV000951755.10), dbSNP rs1555302500, ClinGen allele CA387855205.